The following is an entry in ClinVar:

NM_201384.3(PLEC):c.6937A>G (p.Lys2313Glu)

Gene: PLEC (plectin; minus strand). Cytogenetic location: 8q24.3.
Variant type: single nucleotide variant.
Coding change: c.6937A>G on transcript NM_201384.3 (MANE Select); coding-DNA position 6937, A replaced by G.
Protein change: p.Lys2313Glu; replaces lysine 2313 with glutamic acid.
Molecular consequence: missense variant.
Genome position (GRCh38, 1-based): chr8:143,922,992, T>C on the plus strand (A>G on the coding strand, the complement: PLEC is on the minus strand). VCF-style: chr8-143922992-T-C. GRCh37 (hg19) VCF-style: chr8-144997160-T-C.
Other names: c.7018A>G, p.Lys2340Glu (NM_000445.5); c.6895A>G, p.Lys2299Glu (NM_201378.4); c.6871A>G, p.Lys2291Glu (NM_201379.3); c.7348A>G, p.Lys2450Glu (NM_201380.4); c.6841A>G, p.Lys2281Glu (NM_201381.3); c.6937A>G, p.Lys2313Glu (NM_201382.4); c.6949A>G, p.Lys2317Glu (NM_201383.3); short protein forms K2317E, K2291E, K2313E, K2450E, K2299E, K2340E, K2281E.
Identifiers: ClinVar variation 538989 (VCV000538989.6), dbSNP rs1554691104, ClinGen allele CA372531365.
Genomic context (GRCh38, chr8:143,922,992, plus strand): 5'-GCAGCAGTTCCGCCTCAGCCTTGAGTCGCGTGGCCTCCTGCACCGCCTGCATCTTCTCCT[T>C]GAGCATCTTCTCTGCCAAGGCCCGCTGCTGTGCCAGGTCCTCCTCTGCCAGCTGCCGCAG-3'
Protein context (NP_958786.1, residues 2303-2323): QQRALAEKML[Lys2313Glu]EKMQAVQEAT

ClinVar aggregate classification (germline): Uncertain significance (1 of 4 stars; one submission).

Conditions:
Epidermolysis bullosa simplex with nail dystrophy (EBS5D). Identifiers: MedGen C4225309, MONDO:0014661, OMIM 616487.
Epidermolysis bullosa simplex 5B, with muscular dystrophy (EBS5B). Also called: EPIDERMOLYSIS BULLOSA SIMPLEX AND LIMB-GIRDLE MUSCULAR DYSTROPHY; Epidermolysis bullosa simplex with muscular dystrophy. Identifiers: Orphanet 257, MedGen C2931072, MONDO:0009181, OMIM 226670.
Epidermolysis bullosa simplex, Ogna type (EBS5A). Also called: Pidermolysis bullosa simplex 5A, Ogna type; EPIDERMOLYSIS BULLOSA SIMPLEX 5A, OGNA TYPE. Identifiers: Orphanet 79401, MedGen C0432317, MONDO:0007555, OMIM 131950.
Autosomal recessive limb-girdle muscular dystrophy type 2Q (LGMDR17). Also called: MUSCULAR DYSTROPHY, LIMB-GIRDLE, AUTOSOMAL RECESSIVE 17. Identifiers: Orphanet 254361, MedGen C3150989, MONDO:0013390, OMIM 613723.
Epidermolysis bullosa simplex 5C, with pyloric atresia (EBS5C). Also called: PLEC-Related Epidermolysis Bullosa with Pyloric Atresia; Epidermolysis bullosa simplex with pyloric atresia; PLEC1-Related Epidermolysis Bullosa with Pyloric Atresia. Identifiers: Orphanet 158684, MedGen C2677349, MONDO:0012807, OMIM 612138.

Allele frequency attached by ClinVar (database versions not stated): gnomAD exomes 0.00001.
gnomAD v4.1: 8 of 1,611,772 alleles (0.0005%); highest among the groups gnomAD compares: Non-Finnish European, 0.00068%; no homozygotes.

Submission:

Labcorp Genetics (formerly Invitae), Labcorp
Classification: Uncertain significance for Autosomal recessive limb-girdle muscular dystrophy type 2Q; Epidermolysis bullosa simplex, Ogna type; Epidermolysis bullosa simplex with nail dystrophy; Epidermolysis bullosa simplex 5C, with pyloric atresia; Epidermolysis bullosa simplex 5B, with muscular dystrophy. Last evaluated: 2023-06-21. Review status: criteria provided, single submitter. Criteria: Invitae Variant Classification Sherloc (09022015). Collection method: clinical testing. Allele origin: germline.
Comment: This sequence change replaces lysine, which is basic and polar, with glutamic acid, which is acidic and polar, at codon 2340 of the PLEC protein (p.Lys2340Glu). This variant is present in population databases (no rsID available, gnomAD 0.002%). This variant has not been reported in the literature in individuals affected with PLEC-related conditions. ClinVar contains an entry for this variant (Variation ID: 538989). Advanced modeling of protein sequence and biophysical properties (such as structural, functional, and spatial information, amino acid conservation, physicochemical variation, residue mobility, and thermodynamic stability) performed at Invitae indicates that this missense variant is not expected to disrupt PLEC protein function. In summary, the available evidence is currently insufficient to determine the role of this variant in disease. Therefore, it has been classified as a Variant of Uncertain Significance.